The following is an entry in ClinVar:

ClinVar aggregate classification (germline): Benign/Likely benign. Review status: criteria provided, multiple submitters, no conflicts (2 of 4 stars). 5 submissions from 5 submitters: Benign (4); Likely benign (1). Last evaluated 2026-02-04.

Allele frequency attached by ClinVar (database versions not stated): 1000 Genomes Project 30x 0.26312; 1000 Genomes Project 0.27077; ESP Exome Variant Server 0.28118; gnomAD 0.28332 and 0.28616; TOPMed 0.28481; ExAC 0.31482; gnomAD exomes 0.32210.
gnomAD v4.1: 527,126 of 1,613,204 alleles (33%); highest among the groups gnomAD compares: East Asian, 39%; 88,136 homozygotes.

Submissions (5):

Labcorp Genetics (formerly Invitae), Labcorp
Classification: Benign. Last evaluated: 2026-02-04. Review status: criteria provided, single submitter. Criteria: Invitae Variant Classification Sherloc (09022015). Collection method: clinical testing. Allele origin: germline.

Women's Health and Genetics/Laboratory Corporation of America, LabCorp
Classification: Benign. Last evaluated: 2026-01-21. Review status: criteria provided, single submitter. Criteria: LabCorp Variant Classification Summary - May 2015. Collection method: clinical testing. Allele origin: germline.

Blueprint Genetics
Classification: Likely benign. Last evaluated: 2024-11-26. Review status: criteria provided, single submitter. Criteria: ACMG Guidelines, 2015. Collection method: clinical testing. Allele origin: germline.

Unidad de Genómica Garrahan, Hospital de Pediatría Garrahan
Classification: Benign. Last evaluated: 2024-01-24. Review status: criteria provided, single submitter. Criteria: ACMG Guidelines, 2015. Collection method: clinical testing. Allele origin: germline. Affected: no. Observed: 61 variant alleles.
Comment: This variant is classified as Benign based on local population frequency. This variant was detected in 69% of patients studied by a panel of primary immunodeficiencies. Number of patients: 61. Only high quality variants are reported.

Breakthrough Genomics
Classification: Benign. Review status: criteria provided, single submitter. Criteria: ACMG Guidelines, 2015. Collection method: not provided. Allele origin: germline. Inheritance: Autosomal recessive inheritance. Affected: yes.

NM_004944.4(DNASE1L3):c.142-18G>T

Gene: DNASE1L3 (deoxyribonuclease 1L3; minus strand). Cytogenetic location: 3p14.3.
Variant type: single nucleotide variant.
Coding change: c.142-18G>T on transcript NM_004944.4 (MANE Select); 18 bases into the intron before coding-DNA position 142, G replaced by T.
Molecular consequence: intron variant.
Genome position (GRCh38, 1-based): chr3:58,208,324, C>A on the plus strand (G>T on the coding strand, the complement: DNASE1L3 is on the minus strand). VCF-style: chr3-58208324-C-A. GRCh37 (hg19) VCF-style: chr3-58194051-C-A.
Other names: c.142-18G>T (NM_001256560.2).
Identifiers: ClinVar variation 1170213 (VCV001170213.12), dbSNP rs3732631, ClinGen allele CA2470108.